The following is an entry in ClinVar:

NM_001042492.3(NF1):c.3738del (p.Phe1247fs)

Gene: NF1 (neurofibromin 1; plus strand). Cytogenetic location: 17q11.2.
Variant type: Deletion.
Coding change: c.3738del on transcript NM_001042492.3 (MANE Select); coding-DNA position 3738, one base deleted (G; older notation c.3738delG).
Protein change: p.Phe1247fs; shifts the reading frame from phenylalanine 1247.
Molecular consequence: frameshift variant.
Genome position (GRCh38, 1-based): chr17:31,235,640, G deleted. VCF-style (leftmost placement, unchanged base first): chr17-31235639-TG-T. GRCh37 (hg19) VCF-style: chr17-29562657-TG-T.
Other names: c.3738delG, p.Phe1247Leufs (NM_000267.4); short protein forms F1247fs.
Identifiers: ClinVar variation 1451453 (VCV001451453.6), dbSNP rs2151437785, ClinGen allele CA2573153377.

ClinVar aggregate classification (germline): Pathogenic (1 of 4 stars; one submission).

Conditions:
Neurofibromatosis, type 1 (NF1). Also called: NEUROFIBROMATOSIS, TYPE I, SOMATIC; VON RECKLINGHAUSEN DISEASE; Peripheral type neurofibromatosis; Neurofibromatosis, type I. Identifiers: Orphanet 636, MedGen C0027831, MONDO:0018975, OMIM 162200. Disease mechanism: loss of function.

Submission:

Labcorp Genetics (formerly Invitae), Labcorp
Classification: Pathogenic for Neurofibromatosis, type 1. Last evaluated: 2021-11-17. Review status: criteria provided, single submitter. Criteria: Invitae Variant Classification Sherloc (09022015). Collection method: clinical testing. Allele origin: germline.
Comment: This sequence change creates a premature translational stop signal (p.Phe1247Leufs*19) in the NF1 gene. It is expected to result in an absent or disrupted protein product. Loss-of-function variants in NF1 are known to be pathogenic (PMID: 10712197, 23913538). This variant is not present in population databases (gnomAD no frequency). This variant has not been reported in the literature in individuals affected with NF1-related conditions. For these reasons, this variant has been classified as Pathogenic.

Literature cited by the submitters: PubMed 10712197; PubMed 23913538.